The following is an entry in ClinVar:

NM_000138.5(FBN1):c.325C>T (p.Pro109Ser)

Gene: FBN1 (fibrillin 1; minus strand). Cytogenetic location: 15q21.1.
Variant type: single nucleotide variant.
Coding change: c.325C>T on transcript NM_000138.5 (MANE Select); coding-DNA position 325, C replaced by T.
Protein change: p.Pro109Ser; replaces proline 109 with serine.
Molecular consequence: missense variant.
Genome position (GRCh38, 1-based): chr15:48,610,749, G>A on the plus strand (C>T on the coding strand, the complement: FBN1 is on the minus strand). VCF-style: chr15-48610749-G-A. GRCh37 (hg19) VCF-style: chr15-48902946-G-A.
Other names: c.325C>T, p.Pro109Ser (NM_001406716.1, NM_001406717.1); short protein forms P109S.
Identifiers: ClinVar variation 4786950 (VCV004786950.1).
Genomic context (GRCh38, chr15:48,610,749, plus strand): 5'-CATAAAATAATATTATATATAATGACATGTTAGACTTACTGGATCTGGAGCCACAGGAAG[G>A]AGCTATCTGACCAGATGGGCAAGTGCACATATTTGGCCTCGAACAAAATCCATCCCCACA-3'
Protein context (NP_000129.3, residues 99-119): MCTCPSGQIA[Pro109Ser]SCGSRSIQHC

ClinVar aggregate classification (germline): Uncertain significance (1 of 4 stars; one submission).

Conditions:
Marfan syndrome (MFS). Also called: FBN1-Related Marfan Syndrome; MARFAN SYNDROME, TYPE I; Marfan syndrome type 1; Marfan's syndrome; Marfan syndrome, classic. Identifiers: Orphanet 284963, Orphanet 558, MedGen C0024796, MONDO:0007947, OMIM 154700.
Familial thoracic aortic aneurysm and aortic dissection (TAAD). Also called: Thoracic aortic aneurysms and dissections. Identifiers: Orphanet 91387, MedGen C4707243, MONDO:0019625.

Submission:

Labcorp Genetics (formerly Invitae), Labcorp
Classification: Uncertain significance for Marfan syndrome; Familial thoracic aortic aneurysm and aortic dissection. Last evaluated: 2025-08-08. Review status: criteria provided, single submitter. Criteria: Invitae Variant Classification Sherloc (09022015). Collection method: clinical testing. Allele origin: germline.
Comment: This sequence change replaces proline, which is neutral and non-polar, with serine, which is neutral and polar, at codon 109 of the FBN1 protein (p.Pro109Ser). This variant is not present in population databases (gnomAD no frequency). This variant has not been reported in the literature in individuals affected with FBN1-related conditions. Invitae Evidence Modeling of protein sequence and biophysical properties (such as structural, functional, and spatial information, amino acid conservation, physicochemical variation, residue mobility, and thermodynamic stability) indicates that this missense variant is not expected to disrupt FBN1 protein function with a negative predictive value of 95%. In summary, the available evidence is currently insufficient to determine the role of this variant in disease. Therefore, it has been classified as a Variant of Uncertain Significance.